The following is an entry in ClinVar:

ClinVar aggregate classification (germline): Benign/Likely benign. Review status: criteria provided, multiple submitters, no conflicts (2 of 4 stars). 6 submissions from 6 submitters: Benign (2); Likely benign (3). 1 of the submissions does not count toward it. Last evaluated 2026-01-28.

Conditions:
Pyruvate carboxylase deficiency. Also called: Pyruvate Carboxylase Deficiency Disease; PC DEFICIENCY; ATAXIA WITH LACTIC ACIDOSIS II; LEIGH NECROTIZING ENCEPHALOPATHY DUE TO PYRUVATE CARBOXYLASE DEFICIENCY; LEIGH SYNDROME DUE TO PYRUVATE CARBOXYLASE DEFICIENCY. Identifiers: Orphanet 3008, MedGen C0034341, MONDO:0009949, OMIM 266150.

Allele frequency attached by ClinVar (database versions not stated): gnomAD 0.00058 and 0.00078; TOPMed 0.00064; ESP Exome Variant Server 0.00108; 1000 Genomes Project 0.00180; 1000 Genomes Project 30x 0.00219.
gnomAD v4.1: 1,874 of 1,606,428 alleles (0.12%); highest among the groups gnomAD compares: South Asian, 0.58%; 9 homozygotes.

Submissions (6):

Labcorp Genetics (formerly Invitae), Labcorp
Classification: Benign for Pyruvate carboxylase deficiency. Last evaluated: 2026-01-28. Review status: criteria provided, single submitter. Criteria: Invitae Variant Classification Sherloc (09022015). Collection method: clinical testing. Allele origin: germline.

Blueprint Genetics
Classification: Likely benign. Last evaluated: 2024-09-23. Review status: criteria provided, single submitter. Criteria: ACMG Guidelines, 2015. Collection method: clinical testing. Allele origin: germline.

CeGaT Center for Human Genetics Tuebingen
Classification: Likely benign. Last evaluated: 2023-02-01. Review status: criteria provided, single submitter. Criteria: CeGaT Center For Human Genetics Tuebingen Variant Classification Criteria Version 2. Collection method: clinical testing. Allele origin: germline. Affected: yes. Observed: 1 variant allele.
Comment: PC: BP4, BP7, BS2

Illumina Laboratory Services, Illumina
Classification: Likely benign for Pyruvate carboxylase deficiency. Last evaluated: 2018-01-13. Review status: criteria provided, single submitter. Criteria: ICSL Variant Classification Criteria 13 December 2019. Collection method: clinical testing. Allele origin: germline.
Comment: This variant was observed in the ICSL laboratory as part of a predisposition screen in an ostensibly healthy population. It had not been previously curated by ICSL or reported in the Human Gene Mutation Database (HGMD: prior to June 1st, 2018), and was therefore a candidate for classification through an automated scoring system. Utilizing variant allele frequency, disease prevalence and penetrance estimates, and inheritance mode, an automated score was calculated to assess if this variant is too frequent to cause the disease. Based on the score and internal cut-off values, a variant classified as likely benign is not then subjected to further curation. The score for this variant resulted in a classification of likely benign for this disease.

GeneDx
Classification: Benign. Last evaluated: 2013-04-09. Review status: criteria provided, single submitter. Criteria: GeneDx Variant Classification (06012015). Collection method: clinical testing. Allele origin: germline. Affected: yes.
Comment: This variant is considered likely benign or benign based on one or more of the following criteria: it is a conservative change, it occurs at a poorly conserved position in the protein, it is predicted to be benign by multiple in silico algorithms, and/or has population frequency not consistent with disease.

Mayo Clinic Laboratories, Mayo Clinic
Classification: Likely benign. Last evaluated: 2017-06-01. Review status: no assertion criteria provided. Collection method: clinical testing. Allele origin: unknown. Not counted in ClinVar's aggregate classification.

NM_001040716.2(PC):c.216G>A (p.Thr72=)

Gene: PC (pyruvate carboxylase; minus strand). Cytogenetic location: 11q13.2.
Variant type: single nucleotide variant.
Coding change: c.216G>A on transcript NM_001040716.2 (MANE Select); coding-DNA position 216, G replaced by A.
Protein change: p.Thr72=; no amino-acid change (threonine 72 retained).
Molecular consequence: synonymous variant.
Genome position (GRCh38, 1-based): chr11:66,871,792, C>T on the plus strand (G>A on the coding strand, the complement: PC is on the minus strand). VCF-style: chr11-66871792-C-T. GRCh37 (hg19) VCF-style: chr11-66639263-C-T.
Other names: p.T72T:ACG>ACA; c.216G>A, p.Thr72= (NM_000920.4, NM_022172.3).
Identifiers: ClinVar variation 138583 (VCV000138583.44), dbSNP rs117711892, ClinGen allele CA292682.
Genomic context (GRCh38, chr11:66,871,792, plus strand): 5'-GGGGGCCAGGCCGCGGCCGATGAGATAGGCTTCATCTGCTTTCTGCCGGTGCATCTGGCC[C>T]GTGTCCTGCTCAGAGTAGATGGCTACGGTGCGGATGCCCAGCTCCGTGCAGGCCCGGAAC-3'
Protein context (NP_001035806.1, residues 62-82): RTVAIYSEQD[Thr72=]GQMHRQKADE